The following is an entry in ClinVar:

ClinVar aggregate classification (germline): Conflicting classifications of pathogenicity. Review status: criteria provided, conflicting classifications (1 of 4 stars). 5 submissions from 5 submitters: Uncertain significance (2); Likely benign (2). 1 of the submissions does not count toward it. Last evaluated 2026-01-05.

Conditions:
PCK2-related disorder. Also called: PCK2-related condition.
Phosphoenolpyruvate carboxykinase deficiency, mitochondrial. Also called: PCK2 DEFICIENCY; PEPCK2 DEFICIENCY. Identifiers: Orphanet 2880, MedGen C1849821, MONDO:0009864, OMIM 261650.

Allele frequency attached by ClinVar (database versions not stated): 1000 Genomes Project 30x 0.00078; 1000 Genomes Project 0.00080; gnomAD exomes 0.00243 and 0.00273; ExAC 0.00255; ESP Exome Variant Server 0.00261; gnomAD 0.00267 and 0.00277; TOPMed 0.00269.
gnomAD v4.1: 4,379 of 1,614,116 alleles (0.27%); highest among the groups gnomAD compares: Middle Eastern, 0.56%; 14 homozygotes.

Submissions (5):

Labcorp Genetics (formerly Invitae), Labcorp
Classification: Likely benign. Last evaluated: 2026-01-05. Review status: criteria provided, single submitter. Criteria: Invitae Variant Classification Sherloc (09022015). Collection method: clinical testing. Allele origin: germline.

CeGaT Center for Human Genetics Tuebingen
Classification: Likely benign. Last evaluated: 2025-11-01. Review status: criteria provided, single submitter. Criteria: CeGaT Center For Human Genetics Tuebingen Variant Classification Criteria Version 2. Collection method: clinical testing. Allele origin: germline. Affected: yes. Observed: 2 variant alleles.
Comment: PCK2: BS2

ARUP Laboratories, Molecular Genetics and Genomics, ARUP Laboratories
Classification: Uncertain significance. Last evaluated: 2022-04-08. Review status: criteria provided, single submitter. Criteria: ARUP Molecular Germline Variant Investigation Process 2021. Collection method: clinical testing. Allele origin: germline.

Baylor Genetics
Classification: Uncertain significance for Phosphoenolpyruvate carboxykinase deficiency, mitochondrial. Last evaluated: 2018-10-11. Review status: criteria provided, single submitter. Criteria: ACMG Guidelines, 2015. Collection method: clinical testing. Allele origin: unknown. Affected: yes.
Comment: This variant was determined to be of uncertain significance according to ACMG Guidelines, 2015 [PMID:25741868].

PreventionGenetics, part of Exact Sciences
Classification: Likely benign for PCK2-related condition. Last evaluated: 2022-05-09. Review status: no assertion criteria provided. Collection method: clinical testing. Allele origin: germline. Not counted in ClinVar's aggregate classification.
Comment: This variant is classified as likely benign based on ACMG/AMP sequence variant interpretation guidelines (Richards et al. 2015 PMID: 25741868, with internal and published modifications).

NM_004563.4(PCK2):c.1756G>A (p.Gly586Ser)

Genes: NRL (neural retina leucine zipper; minus strand), PCK2 (phosphoenolpyruvate carboxykinase 2, mitochondrial; plus strand). Cytogenetic location: 14q12.
Variant type: single nucleotide variant.
Coding change: c.1756G>A on transcript NM_004563.4 (MANE Select); coding-DNA position 1756, G replaced by A.
Protein change: p.Gly586Ser; replaces glycine 586 with serine.
Molecular consequence: missense variant. On other transcripts: intron variant (3).
Genome position (GRCh38, 1-based): chr14:24,103,797, G>A. VCF-style: chr14-24103797-G-A. GRCh37 (hg19) VCF-style: chr14-24573006-G-A.
Other names: c.1354G>A, p.Gly452Ser (NM_001291556.2, NM_001308054.2); c.-28+10925C>T (NM_001354768.3, NM_001354770.2); c.-254+10925C>T (NM_006177.5); short protein forms G586S, G452S.
Identifiers: ClinVar variation 618263 (VCV000618263.29), dbSNP rs61737098, ClinGen allele CA7123626.